The following is an entry in ClinVar:

NM_000245.4(MET):c.2466G>A (p.Met822Ile)

Gene: MET (MET proto-oncogene, receptor tyrosine kinase; plus strand). Cytogenetic location: 7q31.2.
Variant type: single nucleotide variant.
Coding change: c.2466G>A on transcript NM_000245.4 (MANE Select); coding-DNA position 2466, G replaced by A.
Protein change: p.Met822Ile; replaces methionine 822 with isoleucine.
Molecular consequence: missense variant.
Genome position (GRCh38, 1-based): chr7:116,763,151, G>A. VCF-style: chr7-116763151-G-A. GRCh37 (hg19) VCF-style: chr7-116403205-G-A.
Other names: c.2520G>A, p.Met840Ile (NM_001127500.3); c.2466G>A, p.Met822Ile (NM_001324401.3); c.1176G>A, p.Met392Ile (NM_001324402.2); short protein forms M840I, M822I, M392I.
Identifiers: ClinVar variation 454215 (VCV000454215.11), dbSNP rs780538636, ClinGen allele CA4448493.

ClinVar aggregate classification (germline): Conflicting classifications of pathogenicity. Review status: criteria provided, conflicting classifications (1 of 4 stars). 2 submissions from 2 submitters: Uncertain significance (1); Benign (1). Last evaluated 2025-11-15.

Conditions:
Renal cell carcinoma. Identifiers: Orphanet 217071, MedGen C0007134, MeSH D002292, MONDO:0005086, HP:0005584.
Hereditary cancer-predisposing syndrome. Also called: Hereditary Cancer Syndrome; Hereditary neoplastic syndrome; Neoplastic Syndromes, Hereditary; Tumor predisposition. Identifiers: Orphanet 140162, MedGen C0027672, MeSH D009386, MONDO:0015356.

Allele frequency attached by ClinVar (database versions not stated): TOPMed below 0.00001; ExAC 0.00001; gnomAD exomes 0.00001.

Submissions (2):

Labcorp Genetics (formerly Invitae), Labcorp
Classification: Uncertain significance for Renal cell carcinoma. Last evaluated: 2025-11-15. Review status: criteria provided, single submitter. Criteria: Invitae Variant Classification Sherloc (09022015). Collection method: clinical testing. Allele origin: germline.
Comment: This sequence change replaces methionine, which is neutral and non-polar, with isoleucine, which is neutral and non-polar, at codon 840 of the MET protein (p.Met840Ile). This variant is present in population databases (rs780538636, gnomAD 0.02%). This variant has not been reported in the literature in individuals affected with MET-related conditions. ClinVar contains an entry for this variant (Variation ID: 454215). Invitae Evidence Modeling of protein sequence and biophysical properties (such as structural, functional, and spatial information, amino acid conservation, physicochemical variation, residue mobility, and thermodynamic stability) indicates that this missense variant is not expected to disrupt MET protein function with a negative predictive value of 80%. In summary, the available evidence is currently insufficient to determine the role of this variant in disease. Therefore, it has been classified as a Variant of Uncertain Significance.

Ambry Genetics
Classification: Benign for Hereditary cancer-predisposing syndrome. Last evaluated: 2023-10-25. Review status: criteria provided, single submitter. Criteria: Ambry Variant Classification Scheme 2023. Collection method: clinical testing. Allele origin: germline.